The following is an entry in ClinVar:

NM_020822.3(KCNT1):c.3623C>T (p.Ala1208Val)

Gene: KCNT1 (potassium sodium-activated channel subfamily T member 1; plus strand). Cytogenetic location: 9q34.3.
Variant type: single nucleotide variant.
Coding change: c.3623C>T on transcript NM_020822.3 (MANE Select); coding-DNA position 3623, C replaced by T.
Protein change: p.Ala1208Val; replaces alanine 1208 with valine.
Molecular consequence: missense variant.
Genome position (GRCh38, 1-based): chr9:135,792,076, C>T. VCF-style: chr9-135792076-C-T. GRCh37 (hg19) VCF-style: chr9-138683922-C-T.
Other names: c.3551C>T, p.Ala1184Val (NM_001272003.2); short protein forms A1184V, A1208V.
Identifiers: ClinVar variation 2659723 (VCV002659723.24), dbSNP rs2491159995, ClinGen allele CA375494331.

ClinVar aggregate classification (germline): Uncertain significance (1 of 4 stars; one submission).

Allele frequency attached by ClinVar (database versions not stated): gnomAD exomes below 0.00001.
gnomAD v4.1: 2 of 1,604,158 alleles (0.00012%); highest among the groups gnomAD compares: South Asian, 0.0011%; no homozygotes.

Submission:

CeGaT Center for Human Genetics Tuebingen
Classification: Uncertain significance. Last evaluated: 2022-11-01. Review status: criteria provided, single submitter. Criteria: CeGaT Center For Human Genetics Tuebingen Variant Classification Criteria Version 2. Collection method: clinical testing. Allele origin: germline. Affected: yes. Observed: 1 variant allele.
Comment: KCNT1: PM2, BP4